The following is an entry in ClinVar:

NM_007254.4(PNKP):c.241C>T (p.Pro81Ser)

Gene: PNKP (polynucleotide kinase 3'-phosphatase; minus strand). Cytogenetic location: 19q13.33.
Variant type: single nucleotide variant.
Coding change: c.241C>T on transcript NM_007254.4 (MANE Select); coding-DNA position 241, C replaced by T.
Protein change: p.Pro81Ser; replaces proline 81 with serine.
Molecular consequence: missense variant.
Genome position (GRCh38, 1-based): chr19:49,865,384, G>A on the plus strand (C>T on the coding strand, the complement: PNKP is on the minus strand). VCF-style: chr19-49865384-G-A. GRCh37 (hg19) VCF-style: chr19-50368641-G-A.
Other names: short protein forms P81S.
Identifiers: ClinVar variation 1513201 (VCV001513201.6), dbSNP rs1231251848, ClinGen allele CA406891070.
Genomic context (GRCh38, chr19:49,865,384, plus strand): 5'-GGTGGAGGCCATTGACCAAATACAGTGTGTCCCCCACCCCCAGAGAGCCCTCCAACCCCG[G>A]CTTCAACTCCTGGGTCCCGGTAGTTGAGGGGTTAACTCCCAGCTGCAGAAAGAGAGGGAG-3'
Protein context (NP_009185.2, residues 71-91): PSTTGTQELK[Pro81Ser]GLEGSLGVGD

ClinVar aggregate classification (germline): Uncertain significance (1 of 4 stars; one submission).

Conditions:
Developmental and epileptic encephalopathy, 12 (DEE12). Identifiers: MedGen C3150988, MONDO:0013389, OMIM 613722.

Submission:

Labcorp Genetics (formerly Invitae), Labcorp
Classification: Uncertain significance for Developmental and epileptic encephalopathy, 12. Last evaluated: 2022-10-11. Review status: criteria provided, single submitter. Criteria: Invitae Variant Classification Sherloc (09022015). Collection method: clinical testing. Allele origin: germline.
Comment: This sequence change replaces proline, which is neutral and non-polar, with serine, which is neutral and polar, at codon 81 of the PNKP protein (p.Pro81Ser). In summary, the available evidence is currently insufficient to determine the role of this variant in disease. Therefore, it has been classified as a Variant of Uncertain Significance. Algorithms developed to predict the effect of missense changes on protein structure and function (SIFT, PolyPhen-2, Align-GVGD) all suggest that this variant is likely to be tolerated. ClinVar contains an entry for this variant (Variation ID: 1513201). This variant has not been reported in the literature in individuals affected with PNKP-related conditions. This variant is not present in population databases (gnomAD no frequency).